The following is an entry in ClinVar:

NM_006922.4(SCN3A):c.3950G>A (p.Arg1317Gln)

Gene: SCN3A (sodium voltage-gated channel alpha subunit 3; minus strand). Cytogenetic location: 2q24.3.
Variant type: single nucleotide variant.
Coding change: c.3950G>A on transcript NM_006922.4 (MANE Select); coding-DNA position 3950, G replaced by A.
Protein change: p.Arg1317Gln; replaces arginine 1317 with glutamine.
Molecular consequence: missense variant.
Genome position (GRCh38, 1-based): chr2:165,100,318, C>T on the plus strand (G>A on the coding strand, the complement: SCN3A is on the minus strand). VCF-style: chr2-165100318-C-T. GRCh37 (hg19) VCF-style: chr2-165956828-C-T.
Other names: c.3803G>A, p.Arg1268Gln (NM_001081676.2, NM_001081677.2); short protein forms R1317Q, R1268Q.
Identifiers: ClinVar variation 1394119 (VCV001394119.6), dbSNP rs752111359, ClinGen allele CA1938685.
Genomic context (GRCh38, chr2:165,100,318, plus strand): 5'-CATGTAATTTTGACATGAATAATTAGAGTGTCTATTCTTCTTACCCTCATGCCTTCAAAC[C>T]GGGATAAGGCTCTTAGAGGTCTTAAAGCTCTTAATGTCCGTAATGATTTGATGGCACCGA-3'
Protein context (NP_008853.3, residues 1307-1327): RALRPLRALS[Arg1317Gln]FEGMRVVVNA

ClinVar aggregate classification (germline): Uncertain significance (1 of 4 stars; one submission).

Allele frequency attached by ClinVar (database versions not stated): gnomAD exomes below 0.00001 and 0.00001; ExAC 0.00002; gnomAD 0.00002.
gnomAD v4.1: 7 of 1,613,568 alleles (0.00043%); highest among the groups gnomAD compares: African/African-American, 0.004%; no homozygotes.

Submission:

Labcorp Genetics (formerly Invitae), Labcorp
Classification: Uncertain significance. Last evaluated: 2024-10-04. Review status: criteria provided, single submitter. Criteria: Invitae Variant Classification Sherloc (09022015). Collection method: clinical testing. Allele origin: germline.
Comment: This sequence change replaces arginine, which is basic and polar, with glutamine, which is neutral and polar, at codon 1317 of the SCN3A protein (p.Arg1317Gln). This variant is present in population databases (rs752111359, gnomAD 0.01%). This variant has not been reported in the literature in individuals affected with SCN3A-related conditions. ClinVar contains an entry for this variant (Variation ID: 1394119). Invitae Evidence Modeling of protein sequence and biophysical properties (such as structural, functional, and spatial information, amino acid conservation, physicochemical variation, residue mobility, and thermodynamic stability) has been performed for this missense variant. However, the output from this modeling did not meet the statistical confidence thresholds required to predict the impact of this variant on SCN3A protein function. In summary, the available evidence is currently insufficient to determine the role of this variant in disease. Therefore, it has been classified as a Variant of Uncertain Significance.